The following is an entry in ClinVar:

ClinVar aggregate classification (germline): Benign/Likely benign. Review status: criteria provided, multiple submitters, no conflicts (2 of 4 stars). 4 submissions from 4 submitters: Benign (3); Likely benign (1). Last evaluated 2026-01-12.

Conditions:
COQ2-related disorder. Also called: COQ2-related condition.

Allele frequency attached by ClinVar (database versions not stated): TOPMed 0.00088; gnomAD 0.00034 and 0.00061; ExAC 0.00227; gnomAD exomes 0.00151 and 0.00044; 1000 Genomes Project 0.00300; 1000 Genomes Project 30x 0.00453.
gnomAD v4.1: 721 of 1,554,372 alleles (0.046%); highest among the groups gnomAD compares: East Asian, 1.6%; 5 homozygotes.

Submissions (4):

Labcorp Genetics (formerly Invitae), Labcorp
Classification: Benign. Last evaluated: 2026-01-12. Review status: criteria provided, single submitter. Criteria: Invitae Variant Classification Sherloc (09022015). Collection method: clinical testing. Allele origin: germline.

PreventionGenetics, part of Exact Sciences
Classification: Benign for COQ2-related condition. Last evaluated: 2025-07-17. Review status: criteria provided, single submitter. Criteria: ACMG Guidelines, 2015. Collection method: clinical testing. Allele origin: germline.
Comment: This variant is classified as benign based on ACMG/AMP sequence variant interpretation guidelines (Richards et al. 2015 PMID: 25741868, with internal and published modifications).

Blueprint Genetics
Classification: Likely benign. Last evaluated: 2024-11-18. Review status: criteria provided, single submitter. Criteria: ACMG Guidelines, 2015. Collection method: clinical testing. Allele origin: germline.

GeneDx
Classification: Benign. Last evaluated: 2014-05-27. Review status: criteria provided, single submitter. Criteria: GeneDx Variant Classification (06012015). Collection method: clinical testing. Allele origin: germline. Affected: yes.
Comment: This variant is considered likely benign or benign based on one or more of the following criteria: it is a conservative change, it occurs at a poorly conserved position in the protein, it is predicted to be benign by multiple in silico algorithms, and/or has population frequency not consistent with disease.

NM_015697.9(COQ2):c.73T>G (p.Leu25Val)

Genes: COQ2 (coenzyme Q2, polyprenyltransferase; minus strand), LOC112997540 (Sharpr-MPRA regulatory region 13773; plus strand). Cytogenetic location: 4q21.23.
Variant type: single nucleotide variant.
Coding change: c.73T>G on transcript NM_015697.9; coding-DNA position 73, T replaced by G.
Protein change: p.Leu25Val; replaces leucine 25 with valine.
Molecular consequence: missense variant.
Genome position (GRCh38, 1-based): chr4:83,284,842, A>C on the plus strand (T>G on the coding strand, the complement: COQ2 is on the minus strand). VCF-style: chr4-83284842-A-C. GRCh37 (hg19) VCF-style: chr4-84205995-A-C.
Other names: p.L25V:TTG>GTG; short protein forms L25V.
Identifiers: ClinVar variation 136979 (VCV000136979.13), dbSNP rs150145464, ClinGen allele CA290432.